The following is an entry in ClinVar:

ClinVar aggregate classification (germline): Uncertain significance (1 of 4 stars; one submission).

Conditions:
Hereditary cancer-predisposing syndrome. Also called: Tumor predisposition; Hereditary Cancer Syndrome; Hereditary neoplastic syndrome; Neoplastic Syndromes, Hereditary. Identifiers: Orphanet 140162, MedGen C0027672, MeSH D009386, MONDO:0015356.

Submission:

Ambry Genetics
Classification: Uncertain significance for Hereditary cancer-predisposing syndrome. Last evaluated: 2026-09-11. Review status: criteria provided, single submitter. Criteria: Ambry Variant Classification Scheme 2023. Collection method: clinical testing. Allele origin: germline.
Comment: The p.F1348L variant (also known as c.4044T>G), located in coding exon 20 of the MET gene, results from a T to G substitution at nucleotide position 4044. The phenylalanine at codon 1348 is replaced by leucine, an amino acid with highly similar properties. This amino acid position is highly conserved in available vertebrate species. In addition, this alteration is predicted to be deleterious by in silico analysis. Based on the available evidence, the clinical significance of this variant remains unclear.

NM_000245.4(MET):c.3990T>G (p.Phe1330Leu)

Gene: MET (MET proto-oncogene, receptor tyrosine kinase; plus strand). Cytogenetic location: 7q31.2.
Variant type: single nucleotide variant.
Coding change: c.3990T>G on transcript NM_000245.4 (MANE Select); coding-DNA position 3990, T replaced by G.
Protein change: p.Phe1330Leu; replaces phenylalanine 1330 with leucine.
Molecular consequence: missense variant.
Genome position (GRCh38, 1-based): chr7:116,795,941, T>G. VCF-style: chr7-116795941-T-G. GRCh37 (hg19) VCF-style: chr7-116435995-T-G.
Other names: c.4044T>G, p.Phe1348Leu (NM_001127500.3); c.2700T>G, p.Phe900Leu (NM_001324402.2); short protein forms F1330L, F1348L, F900L.
Identifiers: ClinVar variation 3395199 (VCV003395199.2).